The following is an entry in ClinVar:

ClinVar aggregate classification (somatic clinical impact): Tier II - Potential (1 of 4 stars; one submission).

Conditions:
Embryonal rhabdomyosarcoma (ERMS). Also called: Botryoid rhabdomyosarcoma (type of ERMS); Spindle cell rhabdomyosarcomas (type of ERMS). Identifiers: Orphanet 99757, MedGen C0206656, MONDO:0009993, HP:0006743.

Submission:

Institute for Genomic Medicine (IGM) Clinical Laboratory, Nationwide Children's Hospital
Classification: Tier II - Potential for Embryonal rhabdomyosarcoma. Assertion type: diagnostic. Clinical significance: supports diagnosis. Last evaluated: 2024-05-02. Review status: criteria provided, single submitter. Criteria: AMP/ASCO/CAP Guidelines, 2017. Collection method: clinical testing. Allele origin: somatic. Affected: yes.
Comment: Variant has Tier II (potential) clinical significance as a diagnostic inclusion criterion in embryonal rhabdomyosarcoma, based on the following evidence: 1) Appears in one or more well-established professional guidelines (e.g., World Health Organization [WHO]; National Comprehensive Cancer Network [NCCN]) as providing diagnostic, prognostic, or therapeutic information. 2) Diagnostic significance based on multiple small studies (Evidence Level C; PMIDs: 24436047, 34166060, 24332040, 25768946, 19809159).

Literature cited by the submitters: PubMed 24436047; PubMed 34166060; PubMed 24332040; PubMed 25768946; PubMed 19809159.

NM_213647.3(FGFR4):c.1949G>C (p.Arg650Pro)

Gene: FGFR4 (fibroblast growth factor receptor 4; plus strand). Cytogenetic location: 5q35.2.
Variant type: single nucleotide variant.
Coding change: c.1949G>C on transcript NM_213647.3 (MANE Select); coding-DNA position 1949, G replaced by C.
Protein change: p.Arg650Pro; replaces arginine 650 with proline.
Molecular consequence: missense variant.
Genome position (GRCh38, 1-based): chr5:177,096,291, G>C. VCF-style: chr5-177096291-G-C. GRCh37 (hg19) VCF-style: chr5-176523292-G-C.
Other names: c.1745G>C, p.Arg582Pro (NM_001291980.2); c.1949G>C, p.Arg650Pro (NM_001354984.2, NM_002011.5); c.1829G>C, p.Arg610Pro (NM_022963.3); short protein forms R582P, R610P, R650P.
Identifiers: ClinVar variation 4530035 (VCV004530035.1).